The following is an entry in ClinVar:

ClinVar aggregate classification (germline): Likely benign (1 of 4 stars; one submission).

gnomAD v4.1: 54 of 1,599,466 alleles (0.0034%); highest among the groups gnomAD compares: Non-Finnish European, 0.0044%; no homozygotes.

Submission:

CeGaT Center for Human Genetics Tuebingen
Classification: Likely benign. Last evaluated: 2025-12-01. Review status: criteria provided, single submitter. Criteria: CeGaT Center For Human Genetics Tuebingen Variant Classification Criteria Version 2. Collection method: clinical testing. Allele origin: germline. Affected: yes. Observed: 1 variant allele.
Comment: TSC2: BP4, BP7

NM_000548.5(TSC2):c.3883+44C>T

Gene: TSC2 (TSC complex subunit 2; plus strand). Cytogenetic location: 16p13.3.
Variant type: single nucleotide variant.
Coding change: c.3883+44C>T on transcript NM_000548.5 (MANE Select); 44 bases into the intron after coding-DNA position 3883, C replaced by T.
Molecular consequence: intron variant. On other transcripts: synonymous variant (1).
Genome position (GRCh38, 1-based): chr16:2,082,548, C>T. VCF-style: chr16-2082548-C-T. GRCh37 (hg19) VCF-style: chr16-2132549-C-T.
Other names: c.3795C>T, p.Leu1265= (NM_001406665.1); c.2341+750C>T (NM_001406693.1, NM_001406692.1, NM_001406694.1); c.3775+750C>T (NM_001406667.1); c.3772+750C>T (NM_001406668.1); c.3283+44C>T (NM_001406680.1); c.3214+750C>T (NM_001406683.1, NM_001406682.1); c.3082+750C>T (NM_001406687.1, NM_001406688.1); c.2470+750C>T (NM_001406689.1); and 26 more.
Identifiers: ClinVar variation 4681664 (VCV004681664.5).